The following is an entry in ClinVar:

NM_000182.5(HADHA):c.1249del (p.Ala416_Leu417insTer)

Genes: GAREM2 (GRB2 associated regulator of MAPK1 subtype 2; plus strand), HADHA (hydroxyacyl-CoA dehydrogenase trifunctional multienzyme complex subunit alpha; minus strand). Cytogenetic location: 2p23.3.
Variant type: Deletion.
Coding change: c.1249del on transcript NM_000182.5 (MANE Select); coding-DNA position 1249, one base deleted (C; older notation c.1249delC).
Protein change: p.Ala416_Leu417insTer.
Molecular consequence: nonsense.
Genome position (GRCh38, 1-based): chr2:26,201,292, G deleted on the plus strand (C on the coding strand, the reverse complement: HADHA is on the minus strand). VCF-style (leftmost placement, unchanged base first): chr2-26201291-AG-A. GRCh37 (hg19) VCF-style: chr2-26424160-AG-A.
Identifiers: ClinVar variation 2947613 (VCV002947613.3), dbSNP rs2465534557, ClinGen allele CA2740092775.

ClinVar aggregate classification (germline): Pathogenic (1 of 4 stars; one submission).

Conditions:
Mitochondrial trifunctional protein deficiency. Identifiers: Orphanet 746, MedGen C1969443, MONDO:0012172.
Long chain 3-hydroxyacyl-CoA dehydrogenase deficiency. Also called: LCHAD Deficiency; Deficiency of long-chain 3-hydroxyacyl-coenzyme A dehydrogenase. Identifiers: Orphanet 5, MedGen C3711645, MONDO:0012173, OMIM 609016.

Submission:

Labcorp Genetics (formerly Invitae), Labcorp
Classification: Pathogenic for Mitochondrial trifunctional protein deficiency; Long chain 3-hydroxyacyl-CoA dehydrogenase deficiency. Last evaluated: 2023-05-11. Review status: criteria provided, single submitter. Criteria: Invitae Variant Classification Sherloc (09022015). Collection method: clinical testing. Allele origin: germline.
Comment: For these reasons, this variant has been classified as Pathogenic. This variant has not been reported in the literature in individuals affected with HADHA-related conditions. This variant is not present in population databases (gnomAD no frequency). This sequence change creates a premature translational stop signal (p.Leu417*) in the HADHA gene. It is expected to result in an absent or disrupted protein product. Loss-of-function variants in HADHA are known to be pathogenic (PMID: 7738175, 21103935, 21549624, 22459206).

Literature cited by the submitters: PubMed 7738175; PubMed 21103935; PubMed 21549624; PubMed 22459206.